The following is an entry in ClinVar:

NM_054027.6(ANKH):c.259G>A (p.Val87Ile)

Gene: ANKH (ANKH inorganic pyrophosphate transport regulator; minus strand). Cytogenetic location: 5p15.2.
Variant type: single nucleotide variant.
Coding change: c.259G>A on transcript NM_054027.6 (MANE Select); coding-DNA position 259, G replaced by A.
Protein change: p.Val87Ile; replaces valine 87 with isoleucine.
Molecular consequence: missense variant.
Genome position (GRCh38, 1-based): chr5:14,769,029, C>T on the plus strand (G>A on the coding strand, the complement: ANKH is on the minus strand). VCF-style: chr5-14769029-C-T. GRCh37 (hg19) VCF-style: chr5-14769138-C-T.
Other names: short protein forms V87I.
Identifiers: ClinVar variation 1676330 (VCV001676330.6), dbSNP rs748715503, ClinGen allele CA3209184.
Genomic context (GRCh38, chr5:14,769,029, plus strand): 5'-CCTCACCTATCAGTGTGTGAAAGACGGCAGCGATGGCCCCTGCCACCACCATACACAGGA[C>T]GGCTTTGGTCCTGTCTCTCTTGCTGTTCACAAACACCAGGCCCACATTTTTGAAGTCACT-3'
Protein context (NP_473368.1, residues 77-97): VNSKRDRTKA[Val87Ile]LCMVVAGAIA

ClinVar aggregate classification (germline): Uncertain significance. Review status: criteria provided, multiple submitters, no conflicts (2 of 4 stars). 2 submissions from 2 submitters: Uncertain significance (2). Last evaluated 2025-04-21.

Conditions:
Inborn genetic diseases. Identifiers: MedGen C0950123, MeSH D030342.

gnomAD v4.1: 67 of 1,614,102 alleles (0.0042%); highest among the groups gnomAD compares: East Asian, 0.11%; no homozygotes.

Submissions (2):

GeneDx
Classification: Uncertain significance. Last evaluated: 2025-04-21. Review status: criteria provided, single submitter. Criteria: GeneDx Variant Classification Process June 2021. Collection method: clinical testing. Allele origin: germline. Affected: yes.
Comment: In silico analysis indicates that this missense variant does not alter protein structure/function; Has not been previously published as pathogenic or benign to our knowledge

Ambry Genetics
Classification: Uncertain significance for Inborn genetic diseases. Last evaluated: 2022-04-07. Review status: criteria provided, single submitter. Criteria: Ambry Variant Classification Scheme 2023. Collection method: clinical testing. Allele origin: germline.